The following is an entry in ClinVar:

ClinVar aggregate classification (germline): Uncertain significance. Review status: criteria provided, multiple submitters, no conflicts (2 of 4 stars). 3 submissions from 3 submitters: Uncertain significance (2). 1 of the submissions does not count toward it. Last evaluated 2025-02-27.

Conditions:
Cardiovascular phenotype. Identifiers: MedGen CN230736.
Walker-Warburg congenital muscular dystrophy. Also called: Muscular dystrophy-dystroglycanopathy, type A; Walker-Warburg syndrome. Identifiers: Orphanet 899, MedGen C0265221, MONDO:0000171.
Autosomal recessive limb-girdle muscular dystrophy type 2I. Also called: MUSCULAR DYSTROPHY-DYSTROGLYCANOPATHY (LIMB-GIRDLE), TYPE C, 5; MUSCULAR DYSTROPHY-DYSTROGLYCANOPATHY, LIMB-GIRDLE, FRKP-RELATED; MUSCULAR DYSTROPHY, LIMB-GIRDLE, TYPE 2I. Identifiers: Orphanet 34515, MedGen C1846672, MONDO:0011787, OMIM 607155.

Allele frequency attached by ClinVar (database versions not stated): ExAC below 0.00001; gnomAD exomes below 0.00001; TOPMed below 0.00001; gnomAD 0.00001.

Submissions (3):

Ambry Genetics
Classification: Uncertain significance for Cardiovascular phenotype. Last evaluated: 2025-02-27. Review status: criteria provided, single submitter. Criteria: Ambry Variant Classification Scheme 2023. Collection method: clinical testing. Allele origin: germline.
Comment: The p.T226N variant (also known as c.677C>A), located in coding exon 1 of the FKRP gene, results from a C to A substitution at nucleotide position 677. The threonine at codon 226 is replaced by asparagine, an amino acid with similar properties. This amino acid position is conserved. In addition, the in silico prediction for this alteration is inconclusive. Based on the available evidence, the clinical significance of this variant remains unclear.

Labcorp Genetics (formerly Invitae), Labcorp
Classification: Uncertain significance for Walker-Warburg congenital muscular dystrophy. Last evaluated: 2021-08-28. Review status: criteria provided, single submitter. Criteria: Invitae Variant Classification Sherloc (09022015). Collection method: clinical testing. Allele origin: germline.
Comment: This sequence change replaces threonine with asparagine at codon 226 of the FKRP protein (p.Thr226Asn). The threonine residue is highly conserved and there is a small physicochemical difference between threonine and asparagine. The frequency data for this variant in the population databases is considered unreliable, as metrics indicate poor data quality at this position in the ExAC database. This variant has not been reported in the literature in individuals affected with FKRP-related conditions. Algorithms developed to predict the effect of missense changes on protein structure and function are either unavailable or do not agree on the potential impact of this missense change (SIFT: "Deleterious"; PolyPhen-2: "Probably Damaging"; Align-GVGD: "Class C15"). In summary, the available evidence is currently insufficient to determine the role of this variant in disease. Therefore, it has been classified as a Variant of Uncertain Significance.

Natera, Inc.
Classification: Uncertain significance for Limb-girdle muscular dystrophy type 2I. Last evaluated: 2020-04-30. Review status: no assertion criteria provided. Collection method: clinical testing. Allele origin: germline. Not counted in ClinVar's aggregate classification.

NM_024301.5(FKRP):c.677C>A (p.Thr226Asn)

Gene: FKRP (fukutin related protein; plus strand). Cytogenetic location: 19q13.32.
Variant type: single nucleotide variant.
Coding change: c.677C>A on transcript NM_024301.5 (MANE Select); coding-DNA position 677, C replaced by A.
Protein change: p.Thr226Asn; replaces threonine 226 with asparagine.
Molecular consequence: missense variant.
Genome position (GRCh38, 1-based): chr19:46,756,127, C>A. VCF-style: chr19-46756127-C-A. GRCh37 (hg19) VCF-style: chr19-47259384-C-A.
Other names: c.677C>A, p.Thr226Asn (NM_001039885.3); short protein forms T226N.
Identifiers: ClinVar variation 967165 (VCV000967165.8), dbSNP rs772380755, ClinGen allele CA9532190.